The following is an entry in ClinVar:

ClinVar aggregate classification (germline): Uncertain significance (0 of 4 stars; one submission).

Conditions:
MYH9-related disorder. Identifiers: MedGen C1854520.

Submission:

PreventionGenetics, part of Exact Sciences
Classification: Uncertain significance for MYH9-related condition. Last evaluated: 2023-12-11. Review status: no assertion criteria provided. Collection method: clinical testing. Allele origin: germline.
Comment: The MYH9 c.5866G>T variant is predicted to result in the amino acid substitution p.Ala1956Ser. To our knowledge, this variant has not been reported in the literature or in a large population database, indicating this variant is rare. At this time, the clinical significance of this variant is uncertain due to the absence of conclusive functional and genetic evidence.

NM_002473.6(MYH9):c.5866G>T (p.Ala1956Ser)

Gene: MYH9 (myosin heavy chain 9; minus strand). Cytogenetic location: 22q12.3.
Variant type: single nucleotide variant.
Coding change: c.5866G>T on transcript NM_002473.6 (MANE Select); coding-DNA position 5866, G replaced by T.
Protein change: p.Ala1956Ser; replaces alanine 1956 with serine.
Molecular consequence: missense variant.
Genome position (GRCh38, 1-based): chr22:36,282,685, C>A on the plus strand (G>T on the coding strand, the complement: MYH9 is on the minus strand). VCF-style: chr22-36282685-C-A. GRCh37 (hg19) VCF-style: chr22-36678731-C-A.
Other names: short protein forms A1956S.
Identifiers: ClinVar variation 3050157 (VCV003050157.2), dbSNP rs2517943296, ClinGen allele CA411371183.